The following is an entry in ClinVar:

NM_018706.7(DHTKD1):c.1710C>A (p.Asp570Glu)

Gene: DHTKD1 (dehydrogenase E1 and transketolase domain containing 1; plus strand). Cytogenetic location: 10p14.
Variant type: single nucleotide variant.
Coding change: c.1710C>A on transcript NM_018706.7 (MANE Select); coding-DNA position 1710, C replaced by A.
Protein change: p.Asp570Glu; replaces aspartic acid 570 with glutamic acid.
Molecular consequence: missense variant.
Genome position (GRCh38, 1-based): chr10:12,100,216, C>A. VCF-style: chr10-12100216-C-A. GRCh37 (hg19) VCF-style: chr10-12142215-C-A.
Other names: short protein forms D570E.
Identifiers: ClinVar variation 2903862 (VCV002903862.3), dbSNP rs1833138164, ClinGen allele CA376021892.

ClinVar aggregate classification (germline): Uncertain significance (1 of 4 stars; one submission).

Conditions:
2-aminoadipic 2-oxoadipic aciduria (AAKAD). Also called: Aminoadipic aciduria; ALPHA-AMINOADIPIC AND ALPHA-KETOADIPIC ACIDURIA. Identifiers: Orphanet 79154, MedGen C1859817, MONDO:0008774, OMIM 204750.

Allele frequency attached by ClinVar (database versions not stated): gnomAD 0.00001.
gnomAD v4.1: 1 of 1,595,714 alleles (0.000063%); highest among the groups gnomAD compares: African/African-American, 0.0014%; no homozygotes.

Submission:

Labcorp Genetics (formerly Invitae), Labcorp
Classification: Uncertain significance for 2-aminoadipic 2-oxoadipic aciduria. Last evaluated: 2023-10-09. Review status: criteria provided, single submitter. Criteria: Invitae Variant Classification Sherloc (09022015). Collection method: clinical testing. Allele origin: germline.
Comment: This sequence change replaces aspartic acid, which is acidic and polar, with glutamic acid, which is acidic and polar, at codon 570 of the DHTKD1 protein (p.Asp570Glu). This variant is not present in population databases (gnomAD no frequency). This variant has not been reported in the literature in individuals affected with DHTKD1-related conditions. Advanced modeling of protein sequence and biophysical properties (such as structural, functional, and spatial information, amino acid conservation, physicochemical variation, residue mobility, and thermodynamic stability) performed at Invitae indicates that this missense variant is not expected to disrupt DHTKD1 protein function. In summary, the available evidence is currently insufficient to determine the role of this variant in disease. Therefore, it has been classified as a Variant of Uncertain Significance.